The following is an entry in ClinVar:

NM_000038.6(APC):c.3928A>T (p.Lys1310Ter)

Gene: APC (APC regulator of Wnt signaling pathway; plus strand). Cytogenetic location: 5q22.2.
Variant type: single nucleotide variant.
Coding change: c.3928A>T on transcript NM_000038.6 (MANE Select); coding-DNA position 3928, A replaced by T.
Protein change: p.Lys1310Ter; replaces lysine 1310 with a stop codon.
Molecular consequence: nonsense.
Genome position (GRCh38, 1-based): chr5:112,839,522, A>T. VCF-style: chr5-112839522-A-T. GRCh37 (hg19) VCF-style: chr5-112175219-A-T.
Other names: c.3928A>T, p.Lys1310Ter (NM_001127510.3, NM_001354895.2); c.3874A>T, p.Lys1292Ter (NM_001127511.3); c.3982A>T, p.Lys1328Ter (NM_001354896.2); c.3958A>T, p.Lys1320Ter (NM_001354897.2); c.3853A>T, p.Lys1285Ter (NM_001354898.2); c.3844A>T, p.Lys1282Ter (NM_001354899.2); c.3805A>T, p.Lys1269Ter (NM_001354900.2); c.3751A>T, p.Lys1251Ter (NM_001354901.2); and 5 more; short protein forms K1184*, K1328*, K1027*, K1251*, K1150*, K1209*, K1282*, K1285*.
Identifiers: ClinVar variation 1449226 (VCV001449226.12), dbSNP rs2149902263, ClinGen allele CA16029954.

ClinVar aggregate classification (germline): Pathogenic. Review status: criteria provided, multiple submitters, no conflicts (2 of 4 stars). 3 submissions from 3 submitters: Pathogenic (3). Last evaluated 2023-05-09.

Conditions:
Familial adenomatous polyposis 1 (FAP1). Also called: FAMILIAL ADENOMATOUS POLYPOSIS 1, ATTENUATED; POLYPOSIS, ADENOMATOUS INTESTINAL. Identifiers: MedGen C2713442, MONDO:0021056, OMIM 175100. Disease mechanism: loss of function.
Hereditary cancer-predisposing syndrome. Also called: Hereditary Cancer Syndrome; Hereditary neoplastic syndrome; Neoplastic Syndromes, Hereditary; Tumor predisposition. Identifiers: Orphanet 140162, MedGen C0027672, MeSH D009386, MONDO:0015356.

Submissions (3):

Myriad Genetics, Inc.
Classification: Pathogenic for Familial adenomatous polyposis 1. Last evaluated: 2023-05-09. Review status: criteria provided, single submitter. Criteria: Myriad Autosomal Dominant, Autosomal Recessive and X-Linked Classification Criteria (2023). Collection method: clinical testing. Allele origin: unknown.
Comment: This variant is considered pathogenic. This variant creates a termination codon and is predicted to result in premature protein truncation.

Labcorp Genetics (formerly Invitae), Labcorp
Classification: Pathogenic for Familial adenomatous polyposis 1. Last evaluated: 2021-01-30. Review status: criteria provided, single submitter. Criteria: Invitae Variant Classification Sherloc (09022015). Collection method: clinical testing. Allele origin: germline.
Comment: For these reasons, this variant has been classified as Pathogenic. A different truncation (p.Tyr2645Lysfs*14) that lies downstream of this variant has been determined to be pathogenic (PMID: 9824584, 1316610, 27081525, 8381579, 22135120, Invitae). This suggests that deletion of this region of the APC protein is causative of disease. This variant is expected to disrupt the EB1 and HDLG binding sites, which mediate interactions with the cytoskeleton (PMID: 15311282, 17293347). While functional studies have not been performed to directly test the effect on APC protein function, this suggests that disruption of the C-terminal portion of the protein is functionally important. This variant has been observed in individual(s) with familial adenomatous polyposis (FAP) (PMID: 31360874). This variant is not present in population databases (ExAC no frequency). This sequence change creates a premature translational stop signal (p.Lys1310*) in the APC gene. While this is not anticipated to result in nonsense mediated decay, it is expected to disrupt the last 1534 amino acid(s) of the APC protein.

Ambry Genetics
Classification: Pathogenic for Hereditary cancer-predisposing syndrome. Last evaluated: 2016-05-05. Review status: criteria provided, single submitter. Criteria: Ambry Variant Classification Scheme 2023. Collection method: clinical testing. Allele origin: germline.
Comment: The p.K1310* pathogenic mutation (also known as c.3928A>T), located in coding exon 15 of the APC gene, results from an A to T substitution at nucleotide position 3928. This changes the amino acid from a lysine to a stop codon within coding exon 15. Since premature stop codons are typically deleterious in nature, this alteration is interpreted as a disease-causing mutation (ACMG Recommendations for Standards for Interpretation and Reporting of Sequence Variations. Revision 2007. Genet Med. 2008;10:294).

Literature cited by the submitters: PubMed 9824584 (cited by Labcorp Genetics (formerly Invitae), Labcorp); PubMed 1316610 (cited by Labcorp Genetics (formerly Invitae), Labcorp); PubMed 27081525 (cited by Labcorp Genetics (formerly Invitae), Labcorp); PubMed 8381579 (cited by Labcorp Genetics (formerly Invitae), Labcorp); PubMed 22135120 (cited by Labcorp Genetics (formerly Invitae), Labcorp); PubMed 15311282 (cited by Labcorp Genetics (formerly Invitae), Labcorp); PubMed 17293347 (cited by Labcorp Genetics (formerly Invitae), Labcorp); PubMed 31360874 (cited by Labcorp Genetics (formerly Invitae), Labcorp).